The following is an entry in ClinVar:

NM_000152.5(GAA):c.347G>T (p.Gly116Val)

Gene: GAA (alpha glucosidase; plus strand). Cytogenetic location: 17q25.3.
Variant type: single nucleotide variant.
Coding change: c.347G>T on transcript NM_000152.5 (MANE Select); coding-DNA position 347, G replaced by T.
Protein change: p.Gly116Val; replaces glycine 116 with valine.
Molecular consequence: missense variant.
Genome position (GRCh38, 1-based): chr17:80,104,933, G>T. VCF-style: chr17-80104933-G-T. GRCh37 (hg19) VCF-style: chr17-78078732-G-T.
Other names: c.347G>T (LRG_673t1); c.347G>T, p.Gly116Val (NM_001079803.3, NM_001079804.3); short protein forms G116V.
Identifiers: ClinVar variation 645805 (VCV000645805.13), dbSNP rs754285414, ClinGen allele CA8814853.
Genomic context (GRCh38, chr17:80,104,933, plus strand): 5'-AGGCCATCACCCAGGAACAGTGCGAGGCCCGCGGCTGTTGCTACATCCCTGCAAAGCAGG[G>T]GCTGCAGGGAGCCCAGATGGGGCAGCCCTGGTGCTTCTTCCCACCCAGCTACCCCAGCTA-3'
Protein context (NP_000143.2, residues 106-126): RGCCYIPAKQ[Gly116Val]LQGAQMGQPW

ClinVar aggregate classification (germline): Uncertain significance. Review status: criteria provided, multiple submitters, no conflicts (2 of 4 stars). 5 submissions from 5 submitters: Uncertain significance (4). 1 of the submissions does not count toward it. Last evaluated 2025-02-24.

Conditions:
Cardiovascular phenotype. Identifiers: MedGen CN230736.
Glycogen storage disease, type II (IOPD). Also called: Pompe Disease; Glucosidase acid-1,4-alpha deficiency; GLYCOGENOSIS, GENERALIZED, CARDIAC FORM; GSD II; POMPE DISEASE, INFANTILE-ONSET; GLYCOGEN STORAGE DISEASE II, INFANTILE-ONSET. Identifiers: Orphanet 365, MedGen C0017921, MONDO:0009290, OMIM 232300.

Allele frequency attached by ClinVar (database versions not stated): ExAC 0.00001; gnomAD 0.00001; TOPMed 0.00002.
gnomAD v4.1: 5 of 1,612,246 alleles (0.00031%); highest among the groups gnomAD compares: African/African-American, 0.0067%; no homozygotes.

Submissions (5):

Revvity Omics, Revvity
Classification: Uncertain significance. Last evaluated: 2025-02-24. Review status: criteria provided, single submitter. Criteria: ACMG Guidelines, 2015. Collection method: clinical testing. Allele origin: germline.

Labcorp Genetics (formerly Invitae), Labcorp
Classification: Uncertain significance for Glycogen storage disease, type II. Last evaluated: 2022-10-27. Review status: criteria provided, single submitter. Criteria: Invitae Variant Classification Sherloc (09022015). Collection method: clinical testing. Allele origin: germline.
Comment: This sequence change replaces glycine, which is neutral and non-polar, with valine, which is neutral and non-polar, at codon 116 of the GAA protein (p.Gly116Val). This variant is not present in population databases (gnomAD no frequency). This variant has not been reported in the literature in individuals affected with GAA-related conditions. ClinVar contains an entry for this variant (Variation ID: 645805). Advanced modeling of protein sequence and biophysical properties (such as structural, functional, and spatial information, amino acid conservation, physicochemical variation, residue mobility, and thermodynamic stability) performed at Invitae indicates that this missense variant is not expected to disrupt GAA protein function. In summary, the available evidence is currently insufficient to determine the role of this variant in disease. Therefore, it has been classified as a Variant of Uncertain Significance.

Ambry Genetics
Classification: Uncertain significance for Cardiovascular phenotype. Last evaluated: 2022-04-03. Review status: criteria provided, single submitter. Criteria: Ambry Variant Classification Scheme 2023. Collection method: clinical testing. Allele origin: germline.
Comment: The p.G116V variant (also known as c.347G>T), located in coding exon 1 of the GAA gene, results from a G to T substitution at nucleotide position 347. The glycine at codon 116 is replaced by valine, an amino acid with dissimilar properties. This amino acid position is conserved. In addition, this alteration is predicted to be tolerated by in silico analysis. Since supporting evidence is limited at this time, the clinical significance of this alteration remains unclear.

Fulgent Genetics
Classification: Uncertain significance for Glycogen storage disease, type II. Last evaluated: 2021-09-30. Review status: criteria provided, single submitter. Criteria: ACMG Guidelines, 2015. Collection method: clinical testing. Allele origin: unknown.

Natera, Inc.
Classification: Uncertain significance for Glycogen storage disease type II. Last evaluated: 2020-09-16. Review status: no assertion criteria provided. Collection method: clinical testing. Allele origin: germline. Not counted in ClinVar's aggregate classification.